The following is an entry in ClinVar:

ClinVar aggregate classification (germline): Uncertain significance. Review status: criteria provided, multiple submitters, no conflicts (2 of 4 stars). 2 submissions from 2 submitters: Uncertain significance (2). Last evaluated 2025-05-06.

Conditions:
IGHMBP2-related disorder. Also called: IGHMBP2-related condition; IGHMBP2-related disorders.

Allele frequency attached by ClinVar (database versions not stated): gnomAD exomes below 0.00001; gnomAD 0.00001; TOPMed 0.00001.
gnomAD v4.1: 2 of 1,614,102 alleles (0.00012%); highest among the groups gnomAD compares: Non-Finnish European, 0.00017%; no homozygotes.

Submissions (2):

PreventionGenetics, part of Exact Sciences
Classification: Uncertain significance for IGHMBP2-related condition. Last evaluated: 2025-05-06. Review status: criteria provided, single submitter. Criteria: ACMG Guidelines, 2015. Collection method: clinical testing. Allele origin: germline.
Comment: The IGHMBP2 c.657G>T variant is not predicted to result in an amino acid change (p.=). This variant is predicted to alter splicing based on available splicing prediction programs (SpliceAI, Jaganathan et al. 2019. PubMed ID: 30661751). However, the use of computer prediction programs is not equivalent to functional evidence. To our knowledge, this variant has not been reported in the literature. This variant is reported in 0.00088% of alleles in individuals of European (Non-Finnish) descent in gnomAD. At this time, the clinical significance of this variant is uncertain due to the absence of conclusive functional and genetic evidence.

GeneDx
Classification: Uncertain significance. Last evaluated: 2015-09-17. Review status: criteria provided, single submitter. Criteria: GeneDx Variant Classification (06012015). Collection method: clinical testing. Allele origin: germline. Affected: yes.
Comment: The c.657 G>T variant has not been published as pathogenic, nor has it been reported as a benign polymorphism to our knowledge. It was not observed in approximately 6,500 individuals of European and African American ancestry in the NHLBI Exome Sequencing Project, indicating it is not a common benign variant in these populations. This substitution occurs at a position that is conserved in mammals. In silico analysis suggests that this variant may create a cryptic splice donor site upstream of intron 5 that may lead to abnormal splicing; however, in the absence of RNA/functional studies the actual effect of this variant is unknown. Therefore, based on the currently available information, it is unclear whether this variant is a pathogenic or a rare benign variant.

NM_002180.3(IGHMBP2):c.657G>T (p.Gly219=)

Gene: IGHMBP2 (immunoglobulin mu DNA binding protein 2; plus strand). Cytogenetic location: 11q13.3.
Variant type: single nucleotide variant.
Coding change: c.657G>T on transcript NM_002180.3 (MANE Select); coding-DNA position 657, G replaced by T.
Protein change: p.Gly219=; no amino-acid change (glycine 219 retained).
Molecular consequence: synonymous variant.
Genome position (GRCh38, 1-based): chr11:68,911,549, G>T. VCF-style: chr11-68911549-G-T. GRCh37 (hg19) VCF-style: chr11-68679017-G-T.
Identifiers: ClinVar variation 245922 (VCV000245922.3), dbSNP rs879254002, ClinGen allele CA10584387.
Genomic context (GRCh38, chr11:68,911,549, plus strand): 5'-GGTTTTATTTGCGCTGTCTCAGAAAGAACTTGCCATCATCCATGGACCTCCTGGCACTGG[G>T]AAAACCACGACTGTGGTTGAGATCATTCTTCAAGCTGTGAAACAAGGCTTAAAGGTGGGC-3'
Protein context (NP_002171.2, residues 209-229): LAIIHGPPGT[Gly219=]KTTTVVEIIL